The following is an entry in ClinVar:

ClinVar aggregate classification (germline): Benign. Review status: criteria provided, multiple submitters, no conflicts (2 of 4 stars). 3 submissions from 3 submitters: Benign (2). 1 of the submissions does not count toward it. Last evaluated 2021-08-19.

Conditions:
KRT6C-related disorder. Also called: KRT6C-related condition.
Palmoplantar keratoderma, nonepidermolytic, focal or diffuse (PPKNEFD). Also called: PALMOPLANTAR KERATODERMA, FOCAL OR DIFFUSE. Identifiers: Orphanet 402003, MedGen C3810394, MONDO:0014327, OMIM 615735.

Allele frequency attached by ClinVar (database versions not stated): 1000 Genomes Project 0.25679; gnomAD exomes 0.30700; ExAC 0.40783.

Submissions (3):

Genome-Nilou Lab
Classification: Benign for Palmoplantar keratoderma, nonepidermolytic, focal or diffuse. Last evaluated: 2021-08-19. Review status: criteria provided, single submitter. Criteria: ACMG Guidelines, 2015. Collection method: clinical testing. Allele origin: germline. Affected: no.

Breakthrough Genomics
Classification: Benign. Review status: criteria provided, single submitter. Criteria: ACMG Guidelines, 2015. Collection method: not provided. Allele origin: germline. Inheritance: Autosomal dominant inheritance. Affected: yes.

PreventionGenetics, part of Exact Sciences
Classification: Benign for KRT6C-related condition. Last evaluated: 2024-01-03. Review status: no assertion criteria provided. Collection method: clinical testing. Allele origin: germline. Not counted in ClinVar's aggregate classification.
Comment: This variant is classified as benign based on ACMG/AMP sequence variant interpretation guidelines (Richards et al. 2015 PMID: 25741868, with internal and published modifications).

NM_173086.5(KRT6C):c.180T>C (p.Ser60=)

Gene: KRT6C (keratin 6C; minus strand). Cytogenetic location: 12q13.13.
Variant type: single nucleotide variant.
Coding change: c.180T>C on transcript NM_173086.5 (MANE Select); coding-DNA position 180, T replaced by C.
Protein change: p.Ser60=; no amino-acid change (serine 60 retained).
Molecular consequence: synonymous variant.
Genome position (GRCh38, 1-based): chr12:52,473,558, A>G on the plus strand (T>C on the coding strand, the complement: KRT6C is on the minus strand). VCF-style: chr12-52473558-A-G. GRCh37 (hg19) VCF-style: chr12-52867342-A-G.
Other names: c.180T>C (NM_173086.4).
Identifiers: ClinVar variation 1300103 (VCV001300103.5), dbSNP rs556681459, ClinGen allele CA6581642.